The following is an entry in ClinVar:

ClinVar aggregate classification (germline): Uncertain significance (1 of 4 stars; one submission).

Conditions:
Duchenne muscular dystrophy (DMD). Also called: Duchenne Muscular Dystrophy (DMD); MUSCULAR DYSTROPHY, PSEUDOHYPERTROPHIC PROGRESSIVE, DUCHENNE TYPE. Identifiers: Orphanet 98896, MedGen C0013264, MONDO:0010679, OMIM 310200.

Submission:

Labcorp Genetics (formerly Invitae), Labcorp
Classification: Uncertain significance for Duchenne muscular dystrophy. Last evaluated: 2022-07-26. Review status: criteria provided, single submitter. Criteria: Invitae Variant Classification Sherloc (09022015). Collection method: clinical testing. Allele origin: germline.
Comment: This variant results in a copy number gain of the genomic region encompassing exon(s) 68-79 of the DMD gene. This region includes the termination codon of the gene. This copy number gain extends beyond the assayed region for this gene and therefore may encompass additional genes. As the precise location of this event is unknown, it may be in tandem or it may be located elsewhere in the genome. A similar copy number variant has been observed in individual(s) with clinical features of dystrophinopathies (PMID: 29578119). Experimental studies and prediction algorithms are not available or were not evaluated, and the functional significance of this variant is currently unknown. In summary, the available evidence is currently insufficient to determine the role of this variant in disease. Therefore, it has been classified as a Variant of Uncertain Significance.

Literature cited by the submitters: PubMed 29578119.

NC_000023.10:g.(?_31140036)_(31201041_?)dup

Gene: DMD (dystrophin; minus strand). Cytogenetic location: Xp21.2.
Variant type: Duplication.
Identifiers: ClinVar variation 2424868 (VCV002424868.4).